The following is an entry in ClinVar:

ClinVar aggregate classification (germline): Conflicting classifications of pathogenicity. Review status: criteria provided, conflicting classifications (1 of 4 stars). 4 submissions from 4 submitters: Uncertain significance (2); Likely benign (1). 1 of the submissions does not count toward it. Last evaluated 2025-09-28.

Conditions:
Hereditary cancer-predisposing syndrome. Also called: Hereditary Cancer Syndrome; Hereditary neoplastic syndrome; Neoplastic Syndromes, Hereditary; Tumor predisposition. Identifiers: Orphanet 140162, MedGen C0027672, MeSH D009386, MONDO:0015356.
Hereditary breast ovarian cancer syndrome. Also called: BRCA1- and BRCA2-Associated Hereditary Breast and Ovarian Cancer; Hereditary breast and ovarian cancer syndrome; Hereditary breast and ovarian cancer syndrome (HBOC); Breast and ovarian cancer; Hereditary breast and/or ovarian cancer syndrome; Hereditary breast and ovarian cancer. Identifiers: Orphanet 145, MedGen C0677776, MeSH D061325, MONDO:0003582. Disease mechanism: loss of function.
Breast-ovarian cancer, familial, susceptibility to, 1 (BROVCA1). Also called: BRCA1 Hereditary Breast and Ovarian Cancer; OVARIAN CANCER, SUSCEPTIBILITY TO. Identifiers: Orphanet 145, MedGen C2676676, MONDO:0011450, OMIM 604370. Disease mechanism: loss of function.

Submissions (4):

Ambry Genetics
Classification: Uncertain significance for Hereditary cancer-predisposing syndrome. Last evaluated: 2025-09-28. Review status: criteria provided, single submitter. Criteria: Ambry Variant Classification Scheme 2023. Collection method: clinical testing. Allele origin: germline.
Comment: The p.K918N variant (also known as c.2754G>T), located in coding exon 9 of the BRCA1 gene, results from a G to T substitution at nucleotide position 2754. The lysine at codon 918 is replaced by asparagine, an amino acid with similar properties. This amino acid position is poorly conserved in available vertebrate species. In addition, this alteration is predicted to be tolerated by in silico analysis. Since supporting evidence is limited at this time, the clinical significance of this alteration remains unclear.

University of Washington Department of Laboratory Medicine, University of Washington
Classification: Likely benign for Hereditary cancer-predisposing syndrome. Last evaluated: 2023-03-23. Review status: criteria provided, single submitter. Criteria: Dines et al. (Genet Med. 2020). Collection method: curation. Allele origin: germline.
Comment: Missense variant in a coldspot region where missense variants are very unlikely to be pathogenic (PMID:31911673).

BRCA1 coldspot (exon 11 using historical exon numbering). Reclassification based on statistical prior probability

Labcorp Genetics (formerly Invitae), Labcorp
Classification: Uncertain significance for Hereditary breast ovarian cancer syndrome. Last evaluated: 2022-10-18. Review status: criteria provided, single submitter. Criteria: Invitae Variant Classification Sherloc (09022015). Collection method: clinical testing. Allele origin: germline.
Comment: This sequence change replaces lysine, which is basic and polar, with asparagine, which is neutral and polar, at codon 918 of the BRCA1 protein (p.Lys918Asn). This variant is not present in population databases (gnomAD no frequency). This variant has not been reported in the literature in individuals affected with BRCA1-related conditions. ClinVar contains an entry for this variant (Variation ID: 91600). Advanced modeling of protein sequence and biophysical properties (such as structural, functional, and spatial information, amino acid conservation, physicochemical variation, residue mobility, and thermodynamic stability) performed at Invitae indicates that this missense variant is not expected to disrupt BRCA1 protein function. In summary, the available evidence is currently insufficient to determine the role of this variant in disease. Therefore, it has been classified as a Variant of Uncertain Significance.

Sharing Clinical Reports Project (SCRP)
Classification: Uncertain significance for Breast-ovarian cancer, familial 1. Last evaluated: 2010-01-21. Review status: no assertion criteria provided. Collection method: clinical testing. Allele origin: germline. Not counted in ClinVar's aggregate classification.

NM_007294.4(BRCA1):c.2754G>T (p.Lys918Asn)

Gene: BRCA1 (BRCA1 DNA repair associated; minus strand). Cytogenetic location: 17q21.31.
Variant type: single nucleotide variant.
Coding change: c.2754G>T on transcript NM_007294.4 (MANE Select); coding-DNA position 2754, G replaced by T.
Protein change: p.Lys918Asn; replaces lysine 918 with asparagine.
Molecular consequence: missense variant. On other transcripts: intron variant (137).
Genome position (GRCh38, 1-based): chr17:43,092,777, C>A on the plus strand (G>T on the coding strand, the complement: BRCA1 is on the minus strand). VCF-style: chr17-43092777-C-A. GRCh37 (hg19) VCF-style: chr17-41244794-C-A.
Other names: 2873G>T; c.524-1745G>T (NM_001408498.1, NM_001408501.1, NM_001408500.1 and 3 more transcripts); c.647-1745G>T (NM_001408467.1, NM_001408459.1, NM_001408455.1 and 11 more transcripts); c.584-1745G>T (NM_001408475.1); c.710-1745G>T (NM_001408412.1, NM_001408409.1, NM_001408414.1 and 2 more transcripts); c.452-1745G>T (NM_001408509.1, NM_001408508.1); c.575-1745G>T (NM_001408491.1, NM_001408493.1, NM_001408490.1); c.461-1745G>T (NM_001408506.1, NM_001408507.1); and 42 more; short protein forms K918N, K871N, K622N, K750N, K791N, K829N, K847N, K850N.
Identifiers: ClinVar variation 91600 (VCV000091600.11), dbSNP rs398122668, ClinGen allele CA001814.
Genomic context (GRCh38, chr17:43,092,777, plus strand): 5'-TGGCTTATCTTTCTGACCAACCACAGGAAAGCCTGCAGTGATATTAACTGTCTGTACAGG[C>A]TTGATATTAGACTCATTCTTTCCTTGATTTTCTTCCTTTTGTTCACATTCAAAAGTGACT-3'
Protein context (NP_009225.1, residues 908-928): ENQGKNESNI[Lys918Asn]PVQTVNITAG